The following is an entry in ClinVar:

NM_002256.4(KISS1):c.226G>A (p.Glu76Lys)

Gene: KISS1 (KiSS-1 metastasis suppressor; minus strand). Cytogenetic location: 1q32.1.
Variant type: single nucleotide variant.
Coding change: c.226G>A on transcript NM_002256.4 (MANE Select); coding-DNA position 226, G replaced by A.
Protein change: p.Glu76Lys; replaces glutamic acid 76 with lysine.
Molecular consequence: missense variant.
Genome position (GRCh38, 1-based): chr1:204,190,675, C>T on the plus strand (G>A on the coding strand, the complement: KISS1 is on the minus strand). VCF-style: chr1-204190675-C-T. GRCh37 (hg19) VCF-style: chr1-204159803-C-T.
Other names: short protein forms E76K.
Identifiers: ClinVar variation 4686425 (VCV004686425.1).
Genomic context (GRCh38, chr1:204,190,675, plus strand): 5'-CGGGGATCTGGCGGCTGTGGGGGGCGGACAGGCCCGGCTGCTGGGGGCTCCCGGAGCTCT[C>T]GGGGGGCGGGGACAGCGAGGTCCCCCGACGGCTCAGCCTGGCAGTAGCAGCTGGCTTCCT-3'
Protein context (NP_002247.3, residues 66-86): RRGTSLSPPP[Glu76Lys]SSGSPQQPGL

ClinVar aggregate classification (germline): Uncertain significance (1 of 4 stars; one submission).

Submission:

GeneDx
Classification: Uncertain significance. Last evaluated: 2025-07-18. Review status: criteria provided, single submitter. Criteria: GeneDx Variant Classification Process June 2021. Collection method: clinical testing. Allele origin: germline. Affected: yes.
Comment: Not observed at significant frequency in large population cohorts (gnomAD); In silico analysis supports that this missense variant has a deleterious effect on protein structure/function; Has not been previously published as pathogenic or benign to our knowledge